The following is an entry in ClinVar:

ClinVar aggregate classification (germline): Uncertain significance (1 of 4 stars; one submission).

Conditions:
Emery-Dreifuss muscular dystrophy 4, autosomal dominant (EDMD4). Also called: EMERY-DREIFUSS MUSCULAR DYSTROPHY 4 WITH VARIABLE FEATURES. Identifiers: Orphanet 261, MedGen C2751807, MONDO:0013071, OMIM 612998.
Autosomal recessive ataxia, Beauce type. Also called: Spinocerebellar ataxia, autosomal recessive 8; ATAXIA, RECESSIVE, OF BEAUCE; SYNE1 Deficiency; SYNE1-Related Autosomal Recessive Cerebellar Ataxia. Identifiers: Orphanet 88644, MedGen C1853116, MONDO:0012549, OMIM 610743.

Allele frequency attached by ClinVar (database versions not stated): gnomAD 0.00001; gnomAD exomes 0.00001; TOPMed 0.00001.
gnomAD v4.1: 9 of 1,613,804 alleles (0.00056%); highest among the groups gnomAD compares: South Asian, 0.0011%; no homozygotes.

Submission:

Labcorp Genetics (formerly Invitae), Labcorp
Classification: Uncertain significance for Emery-Dreifuss muscular dystrophy 4, autosomal dominant; Autosomal recessive ataxia, Beauce type. Last evaluated: 2025-03-17. Review status: criteria provided, single submitter. Criteria: Invitae Variant Classification Sherloc (09022015). Collection method: clinical testing. Allele origin: germline.
Comment: This sequence change replaces glutamine, which is neutral and polar, with arginine, which is basic and polar, at codon 7580 of the SYNE1 protein (p.Gln7580Arg). This variant is not present in population databases (gnomAD no frequency). This variant has not been reported in the literature in individuals affected with SYNE1-related conditions. ClinVar contains an entry for this variant (Variation ID: 1414126). An algorithm developed to predict the effect of missense changes on protein structure and function (PolyPhen-2) suggests that this variant is likely to be disruptive. In summary, the available evidence is currently insufficient to determine the role of this variant in disease. Therefore, it has been classified as a Variant of Uncertain Significance.

NM_182961.4(SYNE1):c.22952A>G (p.Gln7651Arg)

Gene: SYNE1 (spectrin repeat containing nuclear envelope protein 1; minus strand). Cytogenetic location: 6q25.2.
Variant type: single nucleotide variant.
Coding change: c.22952A>G on transcript NM_182961.4 (MANE Select); coding-DNA position 22952, A replaced by G.
Protein change: p.Gln7651Arg; replaces glutamine 7651 with arginine.
Molecular consequence: missense variant.
Genome position (GRCh38, 1-based): chr6:152,206,235, T>C on the plus strand (A>G on the coding strand, the complement: SYNE1 is on the minus strand). VCF-style: chr6-152206235-T-C. GRCh37 (hg19) VCF-style: chr6-152527370-T-C.
Other names: c.22739A>G, p.Gln7580Arg (NM_033071.5); short protein forms Q7580R, Q7651R.
Identifiers: ClinVar variation 1414126 (VCV001414126.6), dbSNP rs993798442, ClinGen allele CA150171488.
Genomic context (GRCh38, chr6:152,206,235, plus strand): 5'-AAGAAGGCTAGTTTTTTCTTCTGTTCTTCCAGCCGCATGCTGGCTGATTTCCATTTCTCT[T>C]GGATTTCAGCGAGTTCGGCCTGCAAGGCGGCCTCAGCGCCACTGTCCGCCGAGAGAAGGA-3'
Protein context (NP_892006.3, residues 7641-7661): AALQAELAEI[Gln7651Arg]EKWKSASMRL